The following is an entry in ClinVar:

NM_000018.4(ACADVL):c.711_712del (p.Cys237fs)

Gene: ACADVL (acyl-CoA dehydrogenase very long chain; plus strand). Cytogenetic location: 17p13.1.
Variant type: Microsatellite.
Coding change: c.711_712del on transcript NM_000018.4 (MANE Select); coding-DNA positions 711 to 712, 2 bases deleted (TG; older notation c.711_712delTG).
Protein change: p.Cys237fs; shifts the reading frame from cysteine 237.
Molecular consequence: frameshift variant.
Genome position (GRCh38, 1-based): chr17:7,222,040-7,222,041, TG deleted; deleting any 2 consecutive bases within chr17:7,222,038-7,222,041 gives the same sequence; the c. name uses the placement nearest the transcript's 3' end. VCF-style (leftmost placement, unchanged base first): chr17-7222037-CTG-C. GRCh37 (hg19) VCF-style: chr17-7125356-CTG-C.
Other names: NM_000018.4(ACADVL):c.711_712del; p.Cys237fs; c.645_646del, p.Cys215fs (NM_001033859.3); c.780_781del, p.Cys260fs (NM_001270447.2); c.483_484del, p.Cys161fs (NM_001270448.2); c.711_712del (NM_000018.2); short protein forms C260fs, C161fs, C237fs, C215fs.
Identifiers: ClinVar variation 932827 (VCV000932827.10), dbSNP rs2071256607, ClinGen allele CA2245700975.
Genomic context (GRCh38, chr17:7,222,037, plus strand): 5'-AACCGAGCCCTCAAGCGGGTCAGATGCAGCCTCCATCCGAACCTCTGCTGTGCCCAGCCC[CTG>C]TGGAAAATACTATACCCTCAATGGAAGCAAGCTTTGGATCAGGCAACCTGCCTCCCATTT-3'

ClinVar aggregate classification (germline): Pathogenic. Review status: reviewed by expert panel (3 of 4 stars). 7 submissions from 7 submitters: Pathogenic (1). 6 of the submissions do not count toward it. Last evaluated 2023-01-10.

Conditions:
Very long chain acyl-CoA dehydrogenase deficiency (ACADVLD). Also called: Very Long-Chain Acyl-Coenzyme A Dehydrogenase Deficiency; VLCAD Deficiency. Identifiers: Orphanet 26793, MedGen C3887523, MONDO:0008723, OMIM 201475.

Submissions (7):

ClinGen ACADVL Variant Curation Expert Panel, ClinGen
Classification: Pathogenic for Very long chain acyl-CoA dehydrogenase deficiency. Last evaluated: 2023-01-10. Review status: reviewed by expert panel. Criteria: clingen acadvl acmg specifications v1. Collection method: curation. Allele origin: germline. Inheritance: Autosomal recessive inheritance.
Comment: The NM_000018.4:c.711_712del (p.Cys237fs) variant in ACADVL, also known as p.(Cys237TrpfsTer15) and del710-11, is a frameshift variant predicted to cause a premature stop codon in biologically relevant exon 8/20 leading to nonsense mediated decay in a gene in which loss-of-function is an established disease mechanism (PVS1; PMIDs 9973285, 11590124). The c.711_712del variant has been reported in the literature in one confirmed homozygous individual with an increased acylcarnitine level and severely reduced ACADVL enzyme activity, which is highly specific for very long chain acyl-CoA dehydrogenase (VLCAD) deficiency (PP4_moderate, PM3_supporting; PMIDs: 11124787, 9973285). This variant is absent from gnomAD v2.1.1 (PM2_supporting). In summary, this variant meets the criteria to be classified as pathogenic for autosomal recessive VLCAD deficiency based on the ACMG/AMP criteria applied, as specified by the ClinGen ACADVL Variant Curation Expert Panel: PVS1, PM2_supporting, PM3_supporting, PP4_moderate (ACADVL VCEP specifications version 1; approved November 8, 2021).

GeneDx
Classification: Pathogenic. Last evaluated: 2026-03-31. Review status: criteria provided, single submitter. Criteria: GeneDx Variant Classification Process June 2021. Collection method: clinical testing. Allele origin: germline. Not counted in ClinVar's aggregate classification.
Comment: Frameshift variant predicted to result in protein truncation or nonsense mediated decay in a gene for which loss of function is a known mechanism of disease; Not observed at significant frequency in large population cohorts (gnomAD); This variant is associated with the following publications: (PMID: 9973285)

Fulgent Genetics
Classification: Pathogenic for Very long chain acyl-CoA dehydrogenase deficiency. Last evaluated: 2024-01-03. Review status: criteria provided, single submitter. Criteria: ACMG Guidelines, 2015. Collection method: clinical testing. Allele origin: germline. Not counted in ClinVar's aggregate classification.

Labcorp Genetics (formerly Invitae), Labcorp
Classification: Pathogenic for Very long chain acyl-CoA dehydrogenase deficiency. Last evaluated: 2023-12-14. Review status: criteria provided, single submitter. Criteria: Invitae Variant Classification Sherloc (09022015). Collection method: clinical testing. Allele origin: germline. Not counted in ClinVar's aggregate classification.
Comment: This sequence change creates a premature translational stop signal (p.Cys237Trpfs*15) in the ACADVL gene. It is expected to result in an absent or disrupted protein product. Loss-of-function variants in ACADVL are known to be pathogenic (PMID: 9973285, 11590124). This variant is not present in population databases (gnomAD no frequency). This premature translational stop signal has been observed in individual(s) with very long-chain acyl-CoA dehydrogenase deficiency (PMID: 9973285). This variant is also known as del710-11. ClinVar contains an entry for this variant (Variation ID: 932827). For these reasons, this variant has been classified as Pathogenic.

Baylor Genetics
Classification: Pathogenic for Very long chain acyl-CoA dehydrogenase deficiency. Last evaluated: 2023-02-10. Review status: criteria provided, single submitter. Criteria: ACMG Guidelines, 2015. Collection method: clinical testing. Allele origin: unknown. Not counted in ClinVar's aggregate classification.

Women's Health and Genetics/Laboratory Corporation of America, LabCorp
Classification: Pathogenic for Very long chain acyl-CoA dehydrogenase deficiency. Last evaluated: 2021-06-28. Review status: criteria provided, single submitter. Criteria: LabCorp Variant Classification Summary - May 2015. Collection method: clinical testing. Allele origin: germline. Not counted in ClinVar's aggregate classification.
Comment: Variant summary: ACADVL c.711_712delTG (p.Cys237TrpfsX15) results in a premature termination codon, predicted to cause a truncation of the encoded protein or absence of the protein due to nonsense mediated decay, which are commonly known mechanisms for disease. Truncations downstream of this position have been classified as pathogenic by our laboratory. The variant was absent in 251584 control chromosomes (gnomAD and publication data). c.711_712delTG has been reported in the literature in one homozygous individual with a severe neonatal presentation and cardiomyopathy (Andresen_1999, Touma_2001). This patients sample showed ACADVL enzyme activity was severely decreased to 2% of control levels and no normal sized mutant ACADVL mRNA was observed. Additionally, this patients undiagnosed sisters died early in life and parent were both heterozygous for this variant. These data indicate that the variant may be associated with disease. One ClinVar submitter (evaluation after 2014) cites the variant as pathogenic. Based on the evidence outlined above, the variant was classified as pathogenic.

Wong Mito Lab, Molecular and Human Genetics, Baylor College of Medicine
Classification: Pathogenic for Very long chain acyl-CoA dehydrogenase deficiency. Last evaluated: 2019-11-01. Review status: criteria provided, single submitter. Criteria: ACMG Guidelines, 2015. Collection method: clinical testing. Allele origin: germline. Not counted in ClinVar's aggregate classification.
Comment: The NM_000018.3:c.711_712delTG (NP_000009.1:p.Cys237TrpfsTer15) [GRCH38: NC_000017.11:g.7222040_7222041delTG] variant in ACADVL gene is interpretated to be Pathogenic based on ACMG guidelines (PMID: 25741868). This variant has been reported in PMID: 9973285. This variant meets the following evidence codes reported in the ACMG guidelines: PVS1, PS3

Literature cited by the submitters: PubMed 9973285 (cited by 3 submitters); PubMed 11590124 (cited by Labcorp Genetics (formerly Invitae), Labcorp); PubMed 14728674 (cited by Women's Health and Genetics/Laboratory Corporation of America, LabCorp); PubMed 18836889 (cited by Women's Health and Genetics/Laboratory Corporation of America, LabCorp); PubMed 23169530 (cited by Women's Health and Genetics/Laboratory Corporation of America, LabCorp); PubMed 11124787 (cited by Women's Health and Genetics/Laboratory Corporation of America, LabCorp).